The following is an entry in ClinVar:

NM_024854.5(PYROXD1):c.787G>A (p.Val263Ile)

Gene: PYROXD1 (pyridine nucleotide-disulphide oxidoreductase domain 1; plus strand). Cytogenetic location: 12p12.1.
Variant type: single nucleotide variant.
Coding change: c.787G>A on transcript NM_024854.5 (MANE Select); coding-DNA position 787, G replaced by A.
Protein change: p.Val263Ile; replaces valine 263 with isoleucine.
Molecular consequence: missense variant.
Genome position (GRCh38, 1-based): chr12:21,461,061, G>A. VCF-style: chr12-21461061-G-A. GRCh37 (hg19) VCF-style: chr12-21613995-G-A.
Other names: c.574G>A, p.Val192Ile (NM_001350912.2); c.10G>A, p.Val4Ile (NM_001350913.2); short protein forms V263I, V192I, V4I.
Identifiers: ClinVar variation 1385610 (VCV001385610.5), dbSNP rs1182509932, ClinGen allele CA384109153.

ClinVar aggregate classification (germline): Uncertain significance (1 of 4 stars; one submission).

Allele frequency attached by ClinVar (database versions not stated): gnomAD exomes below 0.00001; TOPMed 0.00001.

Submission:

Labcorp Genetics (formerly Invitae), Labcorp
Classification: Uncertain significance. Last evaluated: 2022-01-16. Review status: criteria provided, single submitter. Criteria: Invitae Variant Classification Sherloc (09022015). Collection method: clinical testing. Allele origin: germline.
Comment: This sequence change replaces valine, which is neutral and non-polar, with isoleucine, which is neutral and non-polar, at codon 263 of the PYROXD1 protein (p.Val263Ile). This variant is not present in population databases (gnomAD no frequency). This variant has not been reported in the literature in individuals affected with PYROXD1-related conditions. Algorithms developed to predict the effect of missense changes on protein structure and function output the following: SIFT: "Tolerated"; PolyPhen-2: "Benign"; Align-GVGD: "Class C0". The isoleucine amino acid residue is found in multiple mammalian species, which suggests that this missense change does not adversely affect protein function. In summary, the available evidence is currently insufficient to determine the role of this variant in disease. Therefore, it has been classified as a Variant of Uncertain Significance.